The following is an entry in ClinVar:

ClinVar aggregate classification (germline): Uncertain significance. Review status: criteria provided, multiple submitters, no conflicts (2 of 4 stars). 2 submissions from 2 submitters: Uncertain significance (2). Last evaluated 2026-03-30.

Conditions:
ABCB4-related disorder. Also called: ABCB4-related disorders; ABCB4-related condition.
Inborn genetic diseases. Identifiers: MedGen C0950123, MeSH D030342.

gnomAD v4.1: 2 of 1,614,034 alleles (0.00012%); highest among the groups gnomAD compares: Admixed American, 0.0033%; no homozygotes.

Submissions (2):

PreventionGenetics, part of Exact Sciences
Classification: Uncertain significance for ABCB4-related condition. Last evaluated: 2026-03-30. Review status: criteria provided, single submitter. Criteria: ACMG Guidelines, 2015. Collection method: clinical testing. Allele origin: germline.
Comment: The ABCB4 c.2330G>A variant is predicted to result in the amino acid substitution p.Gly777Glu. To our knowledge, this variant has not been reported in the literature. This variant is reported in 0.0029% of alleles in individuals of Latino descent in gnomAD. At this time, the clinical significance of this variant is uncertain due to the absence of conclusive functional and genetic evidence.

Ambry Genetics
Classification: Uncertain significance for Inborn genetic diseases. Last evaluated: 2026-01-09. Review status: criteria provided, single submitter. Criteria: Ambry Variant Classification Scheme 2023. Collection method: clinical testing. Allele origin: germline.

NM_000443.4(ABCB4):c.2330G>A (p.Gly777Glu)

Gene: ABCB4 (ATP binding cassette subfamily B member 4; minus strand). Cytogenetic location: 7q21.12.
Variant type: single nucleotide variant.
Coding change: c.2330G>A on transcript NM_000443.4 (MANE Select); coding-DNA position 2330, G replaced by A.
Protein change: p.Gly777Glu; replaces glycine 777 with glutamic acid.
Molecular consequence: missense variant.
Genome position (GRCh38, 1-based): chr7:87,420,062, C>T on the plus strand (G>A on the coding strand, the complement: ABCB4 is on the minus strand). VCF-style: chr7-87420062-C-T. GRCh37 (hg19) VCF-style: chr7-87049378-C-T.
Other names: c.2330G>A, p.Gly777Glu (NM_018849.3, NM_018850.3); short protein forms G777E.
Identifiers: ClinVar variation 4832774 (VCV004832774.2).